The following is an entry in ClinVar:

ClinVar aggregate classification (germline): Uncertain significance (1 of 4 stars; one submission).

gnomAD v4.1: 1 of 1,550,172 alleles (0.000065%); highest among the groups gnomAD compares: African/African-American, 0.0014%; no homozygotes.

Submission:

Mayo Clinic Laboratories, Mayo Clinic
Classification: Uncertain significance. Last evaluated: 2025-07-03. Review status: criteria provided, single submitter. Criteria: ACMG Guidelines, 2015. Collection method: clinical testing. Allele origin: germline. Observed: 1 variant allele.
Comment: PP3, PM2_supporting

NM_000312.4(PROC):c.422C>G (p.Ser141Trp)

Gene: PROC (protein C, inactivator of coagulation factors Va and VIIIa; plus strand). Cytogenetic location: 2q14.3.
Variant type: single nucleotide variant.
Coding change: c.422C>G on transcript NM_000312.4 (MANE Select); coding-DNA position 422, C replaced by G.
Protein change: p.Ser141Trp; replaces serine 141 with tryptophan.
Molecular consequence: missense variant. On other transcripts: intron variant (1).
Genome position (GRCh38, 1-based): chr2:127,423,295, C>G. VCF-style: chr2-127423295-C-G. GRCh37 (hg19) VCF-style: chr2-128180871-C-G.
Other names: p.Ser141Trp; c.605C>G, p.Ser202Trp (NM_001375602.1); c.587C>G, p.Ser196Trp (NM_001375603.1); c.485C>G, p.Ser162Trp (NM_001375604.1); c.524C>G, p.Ser175Trp (NM_001375605.1); c.590C>G, p.Ser197Trp (NM_001375606.1); c.608C>G, p.Ser203Trp (NM_001375607.1); c.398C>G, p.Ser133Trp (NM_001375609.1); and 3 more; short protein forms S202W, S175W, S139W, S196W, S203W, S133W, S141W, S162W.
Identifiers: ClinVar variation 4540669 (VCV004540669.1).